The following is an entry in ClinVar:

ClinVar aggregate classification (germline): Conflicting classifications of pathogenicity. Review status: criteria provided, conflicting classifications (1 of 4 stars). 5 submissions from 5 submitters: Uncertain significance (2); Likely benign (2). 1 of the submissions does not count toward it. Last evaluated 2025-05-01.

Conditions:
DMXL2-related disorder. Also called: DMXL2-related condition.
Inborn genetic diseases. Identifiers: MedGen C0950123, MeSH D030342.
Nonsyndromic genetic hearing loss. Also called: Nonsyndromic genetic deafness; Nonsyndromic hearing loss and deafness; Non-syndromic genetic deafness. Identifiers: Orphanet 87884, MedGen C5680182, MONDO:0019497.

Allele frequency attached by ClinVar (database versions not stated): ESP Exome Variant Server 0.00023; TOPMed 0.00034; gnomAD 0.00037; gnomAD exomes 0.00049 and 0.00066; ExAC 0.00054.
gnomAD v4.1: 1,037 of 1,613,876 alleles (0.064%); highest among the groups gnomAD compares: Non-Finnish European, 0.075%; no homozygotes.

Submissions (5):

CeGaT Center for Human Genetics Tuebingen
Classification: Likely benign. Last evaluated: 2025-05-01. Review status: criteria provided, single submitter. Criteria: CeGaT Center For Human Genetics Tuebingen Variant Classification Criteria Version 2. Collection method: clinical testing. Allele origin: germline. Affected: yes. Observed: 2 variant alleles.
Comment: DMXL2: BP4

Department of Pathology and Laboratory Medicine, Sinai Health System
Classification: Uncertain significance for nonsyndromic genetic hearing loss. Last evaluated: 2023-02-27. Review status: criteria provided, single submitter. Criteria: ACMG Guidelines, 2015. Collection method: research. Allele origin: germline.

Labcorp Genetics (formerly Invitae), Labcorp
Classification: Uncertain significance. Last evaluated: 2022-07-30. Review status: criteria provided, single submitter. Criteria: Invitae Variant Classification Sherloc (09022015). Collection method: clinical testing. Allele origin: germline.
Comment: This sequence change replaces isoleucine, which is neutral and non-polar, with valine, which is neutral and non-polar, at codon 1317 of the DMXL2 protein (p.Ile1317Val). This variant is present in population databases (rs148766950, gnomAD 0.06%), and has an allele count higher than expected for a pathogenic variant. This variant has not been reported in the literature in individuals affected with DMXL2-related conditions. ClinVar contains an entry for this variant (Variation ID: 1510933). Algorithms developed to predict the effect of missense changes on protein structure and function output the following: SIFT: "Tolerated"; PolyPhen-2: "Benign"; Align-GVGD: "Class C0". The valine amino acid residue is found in multiple mammalian species, which suggests that this missense change does not adversely affect protein function. In summary, the available evidence is currently insufficient to determine the role of this variant in disease. Therefore, it has been classified as a Variant of Uncertain Significance.

Ambry Genetics
Classification: Likely benign for Inborn genetic diseases. Last evaluated: 2021-08-30. Review status: criteria provided, single submitter. Criteria: Ambry Variant Classification Scheme 2023. Collection method: clinical testing. Allele origin: germline.

PreventionGenetics, part of Exact Sciences
Classification: Likely benign for DMXL2-related condition. Last evaluated: 2024-03-29. Review status: no assertion criteria provided. Collection method: clinical testing. Allele origin: germline. Not counted in ClinVar's aggregate classification.
Comment: This variant is classified as likely benign based on ACMG/AMP sequence variant interpretation guidelines (Richards et al. 2015 PMID: 25741868, with internal and published modifications).

NM_001378457.1(DMXL2):c.3949A>G (p.Ile1317Val)

Gene: DMXL2 (Dmx like 2; minus strand). Cytogenetic location: 15q21.2.
Variant type: single nucleotide variant.
Coding change: c.3949A>G on transcript NM_001378457.1 (MANE Select); coding-DNA position 3949, A replaced by G.
Protein change: p.Ile1317Val; replaces isoleucine 1317 with valine.
Molecular consequence: missense variant. On other transcripts: non-coding transcript variant (2), intron variant (2).
Genome position (GRCh38, 1-based): chr15:51,499,275, T>C on the plus strand (A>G on the coding strand, the complement: DMXL2 is on the minus strand). VCF-style: chr15-51499275-T-C. GRCh37 (hg19) VCF-style: chr15-51791472-T-C.
Other names: c.3949A>G (NM_001174116.1); c.3949A>G, p.Ile1317Val (NM_001174116.3, NM_001378458.1, NM_001378459.1 and 4 more transcripts); c.3709A>G, p.Ile1237Val (NM_001378464.1); c.2765-7528A>G (NM_001378460.1); c.2765-4141A>G (NM_001174117.3); short protein forms I1317V, I1237V.
Identifiers: ClinVar variation 1510933 (VCV001510933.27), dbSNP rs148766950, ClinGen allele CA7562085.